The following is an entry in ClinVar:

ClinVar aggregate classification (germline): Uncertain significance (1 of 4 stars; one submission).

gnomAD v4.1: 2 of 1,613,174 alleles (0.00012%); highest among the groups gnomAD compares: Non-Finnish European, 0.00017%; no homozygotes.

Submission:

Labcorp Genetics (formerly Invitae), Labcorp
Classification: Uncertain significance. Last evaluated: 2025-09-13. Review status: criteria provided, single submitter. Criteria: Invitae Variant Classification Sherloc (09022015). Collection method: clinical testing. Allele origin: germline.
Comment: This sequence change replaces tyrosine, which is neutral and polar, with cysteine, which is neutral and slightly polar, at codon 884 of the CDH2 protein (p.Tyr884Cys). This variant is present in population databases (no rsID available, gnomAD 0.0009%). This variant has not been reported in the literature in individuals affected with CDH2-related conditions. An algorithm developed to predict the effect of missense changes on protein structure and function (PolyPhen-2) suggests that this variant is likely to be disruptive. In summary, the available evidence is currently insufficient to determine the role of this variant in disease. Therefore, it has been classified as a Variant of Uncertain Significance.

NM_001792.5(CDH2):c.2651A>G (p.Tyr884Cys)

Genes: CDH2 (cadherin 2; minus strand), CDH2-AS1 (CDH2 antisense RNA 1; plus strand). Cytogenetic location: 18q12.1.
Variant type: single nucleotide variant.
Coding change: c.2651A>G on transcript NM_001792.5 (MANE Select); coding-DNA position 2651, A replaced by G.
Protein change: p.Tyr884Cys; replaces tyrosine 884 with cysteine.
Molecular consequence: missense variant.
Genome position (GRCh38, 1-based): chr18:27,952,223, T>C on the plus strand (A>G on the coding strand, the complement: CDH2 is on the minus strand). VCF-style: chr18-27952223-T-C. GRCh37 (hg19) VCF-style: chr18-25532187-T-C.
Other names: c.2558A>G, p.Tyr853Cys (NM_001308176.2); short protein forms Y853C, Y884C.
Identifiers: ClinVar variation 4799717 (VCV004799717.1).
Genomic context (GRCh38, chr18:27,952,223, plus strand): 5'-CCTCCACCATACATGTCAGCAAGTTTCTTGAACCGTGGCCCCCAGTCGTTCAGGTAATCA[T>C]AGTCCTGCTCACCACCACTACTTGAGGAATTAAGGGAGCTCAAGGACCCAGCAGTGGAGC-3'
Protein context (NP_001783.2, residues 874-894): NSSSSGGEQD[Tyr884Cys]DYLNDWGPRF